The following is an entry in ClinVar:

ClinVar aggregate classification (germline): Uncertain significance. Review status: criteria provided, multiple submitters, no conflicts (2 of 4 stars). 2 submissions from 2 submitters: Uncertain significance (2). Last evaluated 2024-08-27.

Allele frequency attached by ClinVar (database versions not stated): gnomAD exomes 0.00003; ExAC 0.00004; ESP Exome Variant Server 0.00008.
gnomAD v4.1: 41 of 1,609,894 alleles (0.0025%); highest among the groups gnomAD compares: Non-Finnish European, 0.0035%; no homozygotes.

Submissions (2):

Ambry Genetics
Classification: Uncertain significance. Last evaluated: 2024-08-27. Review status: criteria provided, single submitter. Criteria: Ambry Variant Classification Scheme 2023. Collection method: clinical testing. Allele origin: germline.

Labcorp Genetics (formerly Invitae), Labcorp
Classification: Uncertain significance. Last evaluated: 2022-02-01. Review status: criteria provided, single submitter. Criteria: Invitae Variant Classification Sherloc (09022015). Collection method: clinical testing. Allele origin: germline.
Comment: This sequence change replaces lysine, which is basic and polar, with glutamic acid, which is acidic and polar, at codon 2185 of the HMCN1 protein (p.Lys2185Glu). This variant is present in population databases (rs141803799, gnomAD 0.007%). This variant has not been reported in the literature in individuals affected with HMCN1-related conditions. Algorithms developed to predict the effect of missense changes on protein structure and function (SIFT, PolyPhen-2, Align-GVGD) all suggest that this variant is likely to be disruptive. In summary, the available evidence is currently insufficient to determine the role of this variant in disease. Therefore, it has been classified as a Variant of Uncertain Significance.

NM_031935.3(HMCN1):c.6553A>G (p.Lys2185Glu)

Gene: HMCN1 (hemicentin 1; plus strand). Cytogenetic location: 1q31.1.
Variant type: single nucleotide variant.
Coding change: c.6553A>G on transcript NM_031935.3 (MANE Select); coding-DNA position 6553, A replaced by G.
Protein change: p.Lys2185Glu; replaces lysine 2185 with glutamic acid.
Molecular consequence: missense variant.
Genome position (GRCh38, 1-based): chr1:186,048,815, A>G. VCF-style: chr1-186048815-A-G. GRCh37 (hg19) VCF-style: chr1-186017947-A-G.
Other names: c.6553A>G (NM_031935.2); short protein forms K2185E.
Identifiers: ClinVar variation 1933082 (VCV001933082.6), dbSNP rs141803799, ClinGen allele CA1292600.